The following is an entry in ClinVar:

NM_005097.4(LGI1):c.311A>G (p.Asp104Gly)

Gene: LGI1 (leucine rich glioma inactivated 1; plus strand). Cytogenetic location: 10q23.33.
Variant type: single nucleotide variant.
Coding change: c.311A>G on transcript NM_005097.4 (MANE Select); coding-DNA position 311, A replaced by G.
Protein change: p.Asp104Gly; replaces aspartic acid 104 with glycine.
Molecular consequence: missense variant. On other transcripts: intron variant (1).
Genome position (GRCh38, 1-based): chr10:93,777,402, A>G. VCF-style: chr10-93777402-A-G. GRCh37 (hg19) VCF-style: chr10-95537159-A-G.
Other names: c.311A>G, p.Asp104Gly (NM_001308275.2); c.288-12697A>G (NM_001308276.2); short protein forms D104G.
Identifiers: ClinVar variation 3381691 (VCV003381691.1).

ClinVar aggregate classification (germline): Uncertain significance (1 of 4 stars; one submission).

Submission:

GeneDx
Classification: Uncertain significance. Last evaluated: 2024-05-22. Review status: criteria provided, single submitter. Criteria: GeneDx Variant Classification Process June 2021. Collection method: clinical testing. Allele origin: germline. Affected: yes.
Comment: Not observed at significant frequency in large population cohorts (gnomAD); In silico analysis indicates that this missense variant does not alter protein structure/function; Has not been previously published as pathogenic or benign to our knowledge